The following is an entry in ClinVar:

NM_002474.3(MYH11):c.3561G>T (p.Thr1187=)

Gene: MYH11 (myosin heavy chain 11; minus strand). Cytogenetic location: 16p13.11.
Variant type: single nucleotide variant.
Coding change: c.3561G>T on transcript NM_002474.3 (MANE Select); coding-DNA position 3561, G replaced by T.
Protein change: p.Thr1187=; no amino-acid change (threonine 1187 retained).
Molecular consequence: synonymous variant.
Genome position (GRCh38, 1-based): chr16:15,732,654, C>A on the plus strand (G>T on the coding strand, the complement: MYH11 is on the minus strand). VCF-style: chr16-15732654-C-A. GRCh37 (hg19) VCF-style: chr16-15826511-C-A.
Other names: c.3582G>T, p.Thr1194= (NM_001040113.2, NM_001040114.2); c.3561G>T, p.Thr1187= (NM_022844.3).
Identifiers: ClinVar variation 2973240 (VCV002973240.4), dbSNP rs139271438, ClinGen allele CA493771109.
Genomic context (GRCh38, chr16:15,732,654, plus strand): 5'-CTCCTCCACCGCCTGTGCGTGTTTCTGCCTCATCTCCTGGACCTGAGCCTCATGGGACCG[C>A]GTCTCTTCATCCAGGGCCTTCTTCAGCACCGTCACCTCCTGCTCCCTCTTGGCCCTTGGT-3'
Protein context (NP_002465.1, residues 1177-1197): TVLKKALDEE[Thr1187=]RSHEAQVQEM

ClinVar aggregate classification (germline): Likely benign. Review status: criteria provided, multiple submitters, no conflicts (2 of 4 stars). 2 submissions from 2 submitters: Likely benign (2). Last evaluated 2023-04-10.

Conditions:
Aortic aneurysm, familial thoracic 4 (AAT4). Also called: AORTIC ANEURYSM/AORTIC DISSECTION AND PATENT DUCTUS ARTERIOSUS. Identifiers: MedGen C1851504, MONDO:0007568, OMIM 132900.
Familial thoracic aortic aneurysm and aortic dissection (TAAD). Also called: Thoracic aortic aneurysms and dissections. Identifiers: Orphanet 91387, MedGen C4707243, MONDO:0019625.

gnomAD v4.1: 1 of 1,614,252 alleles (0.000062%); highest among the groups gnomAD compares: Admixed American, 0.0017%; no homozygotes.

Submissions (2):

All of Us Research Program, National Institutes of Health
Classification: Likely benign for Familial thoracic aortic aneurysm and aortic dissection. Last evaluated: 2023-04-10. Review status: criteria provided, single submitter. Criteria: ACMG Guidelines, 2015. Collection method: clinical testing. Allele origin: germline. Inheritance: Autosomal dominant inheritance. Observed: 1 variant allele, 1 heterozygote.
Comment: This study involves interpretation of variants in research participants for the purpose of population health screening. Participant phenotype was not available at the time of variant classification. Additional details can be found in publication PMID: 35346344, PMCID: PMC8962531

Labcorp Genetics (formerly Invitae), Labcorp
Classification: Likely benign for Aortic aneurysm, familial thoracic 4. Last evaluated: 2023-03-16. Review status: criteria provided, single submitter. Criteria: Invitae Variant Classification Sherloc (09022015). Collection method: clinical testing. Allele origin: germline.